The following is an entry in ClinVar:

ClinVar aggregate classification (germline): Uncertain significance. Review status: criteria provided, multiple submitters, no conflicts (2 of 4 stars). 3 submissions from 3 submitters: Uncertain significance (3). Last evaluated 2024-10-17.

Conditions:
Immunodeficiency 35 (IMD35). Also called: HIES WITH ATYPICAL MYCOBACTERIOSIS, AUTOSOMAL RECESSIVE; HYPER-IgE SYNDROME WITH ATYPICAL MYCOBACTERIOSIS, AUTOSOMAL RECESSIVE; Susceptibility to infection due to TYK2 deficiency; TYK2 DEFICIENCY. Identifiers: Orphanet 331226, MedGen C1969086, MONDO:0012682, OMIM 611521.
Inborn genetic diseases. Identifiers: MedGen C0950123, MeSH D030342.

Allele frequency attached by ClinVar (database versions not stated): ExAC 0.00004; TOPMed 0.00006; ESP Exome Variant Server 0.00008; gnomAD 0.00008.
gnomAD v4.1: 325 of 1,613,992 alleles (0.02%); highest among the groups gnomAD compares: Non-Finnish European, 0.027%; no homozygotes.

Submissions (3):

Blueprint Genetics
Classification: Uncertain significance. Last evaluated: 2024-10-17. Review status: criteria provided, single submitter. Criteria: ACMG Guidelines, 2015. Collection method: clinical testing. Allele origin: germline.

Ambry Genetics
Classification: Uncertain significance for Inborn genetic diseases. Last evaluated: 2023-08-10. Review status: criteria provided, single submitter. Criteria: Ambry Variant Classification Scheme 2023. Collection method: clinical testing. Allele origin: germline.

Labcorp Genetics (formerly Invitae), Labcorp
Classification: Uncertain significance for Immunodeficiency 35. Last evaluated: 2022-08-07. Review status: criteria provided, single submitter. Criteria: Invitae Variant Classification Sherloc (09022015). Collection method: clinical testing. Allele origin: germline.
Comment: This sequence change replaces glutamic acid, which is acidic and polar, with glycine, which is neutral and non-polar, at codon 150 of the TYK2 protein (p.Glu150Gly). This variant is present in population databases (rs200718118, gnomAD 0.01%). This variant has not been reported in the literature in individuals affected with TYK2-related conditions. ClinVar contains an entry for this variant (Variation ID: 662630). Algorithms developed to predict the effect of missense changes on protein structure and function are either unavailable or do not agree on the potential impact of this missense change (SIFT: "Not Available"; PolyPhen-2: "Probably Damaging"; Align-GVGD: "Not Available"). In summary, the available evidence is currently insufficient to determine the role of this variant in disease. Therefore, it has been classified as a Variant of Uncertain Significance.

NM_003331.5(TYK2):c.449A>G (p.Glu150Gly)

Gene: TYK2 (tyrosine kinase 2; minus strand). Cytogenetic location: 19p13.2.
Variant type: single nucleotide variant.
Coding change: c.449A>G on transcript NM_003331.5 (MANE Select); coding-DNA position 449, A replaced by G.
Protein change: p.Glu150Gly; replaces glutamic acid 150 with glycine.
Molecular consequence: missense variant.
Genome position (GRCh38, 1-based): chr19:10,368,071, T>C on the plus strand (A>G on the coding strand, the complement: TYK2 is on the minus strand). VCF-style: chr19-10368071-T-C. GRCh37 (hg19) VCF-style: chr19-10478747-T-C.
Other names: c.449A>G (LRG_121t1); short protein forms E150G.
Identifiers: ClinVar variation 662630 (VCV000662630.8), dbSNP rs200718118, ClinGen allele CA9193741.